The following is an entry in ClinVar:

NM_017950.4(CCDC40):c.2929G>T (p.Gly977Trp)

Gene: CCDC40 (coiled-coil domain 40 molecular ruler complex subunit; plus strand). Cytogenetic location: 17q25.3.
Variant type: single nucleotide variant.
Coding change: c.2929G>T on transcript NM_017950.4 (MANE Select); coding-DNA position 2929, G replaced by T.
Protein change: p.Gly977Trp; replaces glycine 977 with tryptophan.
Molecular consequence: missense variant.
Genome position (GRCh38, 1-based): chr17:80,095,359, G>T. VCF-style: chr17-80095359-G-T. GRCh37 (hg19) VCF-style: chr17-78069158-G-T.
Other names: short protein forms G977W.
Identifiers: ClinVar variation 1797778 (VCV001797778.2), dbSNP rs2510324619, ClinGen allele CA401354954.
Genomic context (GRCh38, chr17:80,095,359, plus strand): 5'-ATGATCCGTGCCATGGAGTTGGCGGTTGCCCGCAGAGAGACCGTCACCACCCAGGCCGAG[G>T]GGCAGCGCAAGATGGACAGGAAGGCGCTCACCCGCACCGACTTCCACCACAAGCAGCTTG-3'
Protein context (NP_060420.2, residues 967-987): RRETVTTQAE[Gly977Trp]QRKMDRKALT

ClinVar aggregate classification (germline): Uncertain significance (1 of 4 stars; one submission).

Conditions:
Primary ciliary dyskinesia. Also called: Ciliary dyskinesia. Identifiers: Orphanet 244, MedGen C0008780, MONDO:0016575, HP:0012265.

gnomAD v4.1: 1 of 1,614,110 alleles (0.000062%); highest among the groups gnomAD compares: Non-Finnish European, 0.000085%; no homozygotes.

Submission:

Ambry Genetics
Classification: Uncertain significance for Primary ciliary dyskinesia. Last evaluated: 2021-08-04. Review status: criteria provided, single submitter. Criteria: Ambry Variant Classification Scheme 2023. Collection method: clinical testing. Allele origin: germline.
Comment: The p.G977W variant (also known as c.2929G>T), located in coding exon 18 of the CCDC40 gene, results from a G to T substitution at nucleotide position 2929. The glycine at codon 977 is replaced by tryptophan, an amino acid with highly dissimilar properties. This amino acid position is conserved. In addition, this alteration is predicted to be tolerated by in silico analysis. Since supporting evidence is limited at this time, the clinical significance of this alteration remains unclear.